The following is an entry in ClinVar:

ClinVar aggregate classification (germline): Pathogenic (1 of 4 stars; one submission).

Conditions:
Progressive myoclonic epilepsy. Also called: Familial progressive myoclonic epilepsy; Myoclonic Epilepsies, Progressive; Myoclonus epilepsy; Progressive myoclonus epilepsy. Identifiers: Orphanet 308, Orphanet 98261, MedGen C0751778, MONDO:0020074.

Submission:

Labcorp Genetics (formerly Invitae), Labcorp
Classification: Pathogenic for Progressive myoclonic epilepsy. Last evaluated: 2023-04-24. Review status: criteria provided, single submitter. Criteria: Invitae Variant Classification Sherloc (09022015). Collection method: clinical testing. Allele origin: germline.
Comment: This variant is not present in population databases (gnomAD no frequency). This sequence change creates a premature translational stop signal (p.Tyr284Metfs*19) in the SCARB2 gene. It is expected to result in an absent or disrupted protein product. Loss-of-function variants in SCARB2 are known to be pathogenic (PMID: 19847901). This variant has not been reported in the literature in individuals affected with SCARB2-related conditions. For these reasons, this variant has been classified as Pathogenic. Algorithms developed to predict the effect of sequence changes on RNA splicing suggest that this variant may disrupt the consensus splice site. ClinVar contains an entry for this variant (Variation ID: 1441270).

Literature cited by the submitters: PubMed 19847901.

NM_005506.4(SCARB2):c.850del (p.Tyr284fs)

Gene: SCARB2 (scavenger receptor class B member 2; minus strand). Cytogenetic location: 4q21.1.
Variant type: Deletion.
Coding change: c.850del on transcript NM_005506.4 (MANE Select); coding-DNA position 850, one base deleted (T; older notation c.850delT).
Protein change: p.Tyr284fs; shifts the reading frame from tyrosine 284.
Molecular consequence: frameshift variant.
Genome position (GRCh38, 1-based): chr4:76,174,288, A deleted on the plus strand (T on the coding strand, the reverse complement: SCARB2 is on the minus strand). VCF-style (leftmost placement, unchanged base first): chr4-76174287-TA-T. GRCh37 (hg19) VCF-style: chr4-77095440-TA-T.
Other names: c.421del, p.Tyr141fs (NM_001204255.2); short protein forms Y141fs, Y284fs.
Identifiers: ClinVar variation 1441270 (VCV001441270.6), dbSNP rs2109942038, ClinGen allele CA2573138357.
Genomic context (GRCh38, chr4:76,174,287, plus strand): 5'-TTGGCTAATATTTCTGCAGGAACTTTATACCGAAAGGCAGGCAGTCCCTGTACACTCTCA[TA>T]GTCACTGAAAGTAATATACACTGACCTGTTAGGATGTAAGAATAAAAAGTGAATGTGGAC-3'